The following is an entry in ClinVar:

NM_000135.4(FANCA):c.3524C>T (p.Pro1175Leu)

Gene: FANCA (FA complementation group A; minus strand). Cytogenetic location: 16q24.3.
Variant type: single nucleotide variant.
Coding change: c.3524C>T on transcript NM_000135.4 (MANE Select); coding-DNA position 3524, C replaced by T.
Protein change: p.Pro1175Leu; replaces proline 1175 with leucine.
Molecular consequence: missense variant.
Genome position (GRCh38, 1-based): chr16:89,745,061, G>A on the plus strand (C>T on the coding strand, the complement: FANCA is on the minus strand). VCF-style: chr16-89745061-G-A. GRCh37 (hg19) VCF-style: chr16-89811469-G-A.
Other names: c.3524C>T (LRG_495t1, NM_000135.3); c.3524C>T, p.Pro1175Leu (NM_001286167.3); short protein forms P1175L.
Identifiers: ClinVar variation 134268 (VCV000134268.20), dbSNP rs147017625, ClinGen allele CA159313.
Genomic context (GRCh38, chr16:89,745,061, plus strand): 5'-CGGGGCAGCGGGCTCTGGCAGTGTCTCCTCCACCGGCAGAGCAGCACAGGCTCCAGGCTC[G>A]GCCACCACACCTATGGAGAGAGCACCAGCACACAGATGAGGGTGGCTGAGATGGACACAC-3'
Protein context (NP_000126.2, residues 1165-1185): LILTSALVWW[Pro1175Leu]SLEPVLLCRW

ClinVar aggregate classification (germline): Conflicting classifications of pathogenicity. Review status: criteria provided, conflicting classifications (1 of 4 stars). 8 submissions from 8 submitters: Uncertain significance (2); Benign (1); Likely benign (2). 3 of the submissions do not count toward it. Last evaluated 2026-01-20.

Conditions:
FANCA-related disorder. Also called: FANCA-related condition.
Fanconi anemia (FA). Also called: Fanconi's anemia. Identifiers: Orphanet 84, MedGen C0015625, MeSH D005199, MONDO:0019391.
Hepatoblastoma. Identifiers: Orphanet 449, MedGen C0206624, MONDO:0018666, HP:0002884.
Fanconi anemia complementation group A (FANCA). Also called: Fanconi anemia, group A; FANCA-Related Fanconi Anemia. Identifiers: Orphanet 84, MedGen C3469521, MONDO:0009215, OMIM 227650.

Allele frequency attached by ClinVar (database versions not stated): gnomAD exomes 0.00030; 1000 Genomes Project 0.00040; ExAC 0.00042; 1000 Genomes Project 30x 0.00047; gnomAD 0.00074 and 0.00083; TOPMed 0.00088; ESP Exome Variant Server 0.00092.
gnomAD v4.1: 284 of 1,605,374 alleles (0.018%); highest among the groups gnomAD compares: African/African-American, 0.31%; 2 homozygotes.

Submissions (8):

Labcorp Genetics (formerly Invitae), Labcorp
Classification: Benign for Fanconi anemia. Last evaluated: 2026-01-20. Review status: criteria provided, single submitter. Criteria: Invitae Variant Classification Sherloc (09022015). Collection method: clinical testing. Allele origin: germline.

Quest Diagnostics Nichols Institute San Juan Capistrano
Classification: Likely benign. Last evaluated: 2022-03-22. Review status: criteria provided, single submitter. Criteria: Quest Diagnostics criteria. Collection method: clinical testing. Allele origin: unknown.

Sema4
Classification: Likely benign for Fanconi anemia. Last evaluated: 2021-05-10. Review status: criteria provided, single submitter. Criteria: Sema4 Curation Guidelines. Collection method: curation. Allele origin: germline.

Baylor Genetics
Classification: Uncertain significance for Fanconi anemia complementation group A. Last evaluated: 2021-04-14. Review status: criteria provided, single submitter. Criteria: ACMG Guidelines, 2015. Collection method: clinical testing. Allele origin: unknown.

Genetic Services Laboratory, University of Chicago
Classification: Uncertain significance. Last evaluated: 2018-01-19. Review status: criteria provided, single submitter. Criteria: ACMG Guidelines, 2015. Collection method: clinical testing. Allele origin: germline. Affected: no.

PreventionGenetics, part of Exact Sciences
Classification: Likely benign for FANCA-related condition. Last evaluated: 2022-06-12. Review status: no assertion criteria provided. Collection method: clinical testing. Allele origin: germline. Not counted in ClinVar's aggregate classification.
Comment: This variant is classified as likely benign based on ACMG/AMP sequence variant interpretation guidelines (Richards et al. 2015 PMID: 25741868, with internal and published modifications).

ITMI
No classification provided. Condition: AllHighlyPenetrant. Last evaluated: 2013-09-19. Review status: no classification provided. Collection method: reference population. Allele origin: germline. Not counted in ClinVar's aggregate classification.
Comment: Please see associated publication for description of ethnicities

Molecular Oncology -  Human Genetics Lab, University of Sao Paulo
Classification: Likely pathogenic for Hepatoblastoma. Review status: flagged submission. Collection method: research. Allele origin: germline. Affected: yes. Not counted in ClinVar's aggregate classification.
ClinVar note: Reason: Outlier claim with insufficient supporting evidence

Literature cited by the submitters: PubMed 24728327 (cited by Quest Diagnostics Nichols Institute San Juan Capistrano and ITMI).